The following is an entry in ClinVar:

NM_001854.4(COL11A1):c.2861C>T (p.Thr954Ile)

Gene: COL11A1 (collagen type XI alpha 1 chain; minus strand). Cytogenetic location: 1p21.1.
Variant type: single nucleotide variant.
Coding change: c.2861C>T on transcript NM_001854.4 (MANE Select); coding-DNA position 2861, C replaced by T.
Protein change: p.Thr954Ile; replaces threonine 954 with isoleucine.
Molecular consequence: missense variant. On other transcripts: non-coding transcript variant (1).
Genome position (GRCh38, 1-based): chr1:102,970,220, G>A on the plus strand (C>T on the coding strand, the complement: COL11A1 is on the minus strand). VCF-style: chr1-102970220-G-A. GRCh37 (hg19) VCF-style: chr1-103435776-G-A.
Other names: c.2744C>T, p.Thr915Ile (NM_001190709.2); c.2897C>T, p.Thr966Ile (NM_080629.3); c.2513C>T, p.Thr838Ile (NM_080630.4); short protein forms T838I, T915I, T954I, T966I.
Identifiers: ClinVar variation 3906773 (VCV003906773.1).
Genomic context (GRCh38, chr1:102,970,220, plus strand): 5'-TATGAACTGATGAGGTGCTAGAGATGGAAATTTTTAATAAGAGTAACAAGGTCACTTACA[G>A]TCTCCCCACGTTGCCCAGGGTGTCCTGGCAGCCCATCCTTCCCAGGTGGTCCCTGAAATT-3'
Protein context (NP_001845.3, residues 944-964): LPGHPGQRGE[Thr954Ile]GFQGKTGPPG

ClinVar aggregate classification (germline): Uncertain significance (1 of 4 stars; one submission).

gnomAD v4.1: 2 of 1,612,240 alleles (0.00012%); highest among the groups gnomAD compares: East Asian, 0.0022%; no homozygotes.

Submission:

GeneDx
Classification: Uncertain significance. Last evaluated: 2024-12-18. Review status: criteria provided, single submitter. Criteria: GeneDx Variant Classification Process June 2021. Collection method: clinical testing. Allele origin: germline. Affected: yes.
Comment: Not observed at significant frequency in large population cohorts (gnomAD); In silico analysis indicates that this missense variant does not alter protein structure/function; Has not been previously published as pathogenic or benign to our knowledge